The following is an entry in ClinVar:

NM_000136.3(FANCC):c.374T>C (p.Leu125Pro)

Gene: FANCC (FA complementation group C; minus strand). Cytogenetic location: 9q22.32.
Variant type: single nucleotide variant.
Coding change: c.374T>C on transcript NM_000136.3 (MANE Select); coding-DNA position 374, T replaced by C.
Protein change: p.Leu125Pro; replaces leucine 125 with proline.
Molecular consequence: missense variant.
Genome position (GRCh38, 1-based): chr9:95,172,119, A>G on the plus strand (T>C on the coding strand, the complement: FANCC is on the minus strand). VCF-style: chr9-95172119-A-G. GRCh37 (hg19) VCF-style: chr9-97934401-A-G.
Other names: c.374T>C (NM_000136.2); c.374T>C, p.Leu125Pro (NM_001243743.2, NM_001243744.2); short protein forms L125P.
Identifiers: ClinVar variation 1385367 (VCV001385367.7), dbSNP rs2135588560, ClinGen allele CA374338867.

ClinVar aggregate classification (germline): Uncertain significance. Review status: criteria provided, multiple submitters, no conflicts (2 of 4 stars). 2 submissions from 2 submitters: Uncertain significance (2). Last evaluated 2026-05-14.

Conditions:
Hereditary cancer-predisposing syndrome. Also called: Neoplastic Syndromes, Hereditary; Tumor predisposition; Hereditary Cancer Syndrome; Hereditary neoplastic syndrome. Identifiers: Orphanet 140162, MedGen C0027672, MeSH D009386, MONDO:0015356.
Fanconi anemia (FA). Also called: Fanconi's anemia. Identifiers: Orphanet 84, MedGen C0015625, MeSH D005199, MONDO:0019391.

Submissions (2):

Ambry Genetics
Classification: Uncertain significance for Hereditary cancer-predisposing syndrome. Last evaluated: 2026-05-14. Review status: criteria provided, single submitter. Criteria: Ambry Variant Classification Scheme 2023. Collection method: clinical testing. Allele origin: germline.
Comment: The p.L125P variant (also known as c.374T>C), located in coding exon 4 of the FANCC gene, results from a T to C substitution at nucleotide position 374. The leucine at codon 125 is replaced by proline, an amino acid with similar properties. This amino acid position is conserved. In addition, this alteration is predicted to be tolerated by in silico analysis. Based on the available evidence, the clinical significance of this variant remains unclear.

Labcorp Genetics (formerly Invitae), Labcorp
Classification: Uncertain significance for Fanconi anemia. Last evaluated: 2021-10-08. Review status: criteria provided, single submitter. Criteria: Invitae Variant Classification Sherloc (09022015). Collection method: clinical testing. Allele origin: germline.
Comment: This variant has not been reported in the literature in individuals affected with FANCC-related conditions. This variant is not present in population databases (ExAC no frequency). This sequence change replaces leucine with proline at codon 125 of the FANCC protein (p.Leu125Pro). The leucine residue is weakly conserved and there is a moderate physicochemical difference between leucine and proline. In summary, the available evidence is currently insufficient to determine the role of this variant in disease. Therefore, it has been classified as a Variant of Uncertain Significance. Algorithms developed to predict the effect of missense changes on protein structure and function are either unavailable or do not agree on the potential impact of this missense change (SIFT: "Tolerated"; PolyPhen-2: "Possibly Damaging"; Align-GVGD: "Class C0").